The following is an entry in ClinVar:

NM_020778.5(ALPK3):c.4040C>T (p.Thr1347Ile)

Gene: ALPK3 (alpha kinase 3; plus strand). Cytogenetic location: 15q25.3.
Variant type: single nucleotide variant.
Coding change: c.4040C>T on transcript NM_020778.5 (MANE Select); coding-DNA position 4040, C replaced by T.
Protein change: p.Thr1347Ile; replaces threonine 1347 with isoleucine.
Molecular consequence: missense variant.
Genome position (GRCh38, 1-based): chr15:84,859,850, C>T. VCF-style: chr15-84859850-C-T. GRCh37 (hg19) VCF-style: chr15-85403081-C-T.
Other names: c.4646C>T (NM_020778.4); short protein forms T1347I.
Identifiers: ClinVar variation 1366660 (VCV001366660.13), dbSNP rs772261260, ClinGen allele CA7709816.

ClinVar aggregate classification (germline): Conflicting classifications of pathogenicity. Review status: criteria provided, conflicting classifications (1 of 4 stars). 4 submissions from 4 submitters: Uncertain significance (3); Likely benign (1). Last evaluated 2026-03-10.

Conditions:
ALPK3-related disorder. Also called: ALPK3-related condition.
Cardiovascular phenotype. Identifiers: MedGen CN230736.

Allele frequency attached by ClinVar (database versions not stated): ExAC 0.00004; gnomAD 0.00004; gnomAD exomes 0.00008; TOPMed 0.00008.
gnomAD v4.1: 120 of 1,613,998 alleles (0.0074%); highest among the groups gnomAD compares: Admixed American, 0.022%; no homozygotes.

Submissions (4):

PreventionGenetics, part of Exact Sciences
Classification: Uncertain significance for ALPK3-related condition. Last evaluated: 2026-03-10. Review status: criteria provided, single submitter. Criteria: ACMG Guidelines, 2015. Collection method: clinical testing. Allele origin: germline.
Comment: The ALPK3 c.4646C>T variant is predicted to result in the amino acid substitution p.Thr1549Ile. To our knowledge, this variant has not been reported in the literature. This variant is reported in 0.025% of alleles in individuals of Latino descent in gnomAD. At this time, the clinical significance of this variant is uncertain due to the absence of conclusive functional and genetic evidence.

Labcorp Genetics (formerly Invitae), Labcorp
Classification: Uncertain significance. Last evaluated: 2026-01-28. Review status: criteria provided, single submitter. Criteria: Invitae Variant Classification Sherloc (09022015). Collection method: clinical testing. Allele origin: germline.
Comment: This sequence change replaces threonine, which is neutral and polar, with isoleucine, which is neutral and non-polar, at codon 1549 of the ALPK3 protein (p.Thr1549Ile). This variant is present in population databases (rs772261260, gnomAD 0.03%). This variant has not been reported in the literature in individuals affected with ALPK3-related conditions. ClinVar contains an entry for this variant (Variation ID: 1366660). Invitae Evidence Modeling of protein sequence and biophysical properties (such as structural, functional, and spatial information, amino acid conservation, physicochemical variation, residue mobility, and thermodynamic stability) indicates that this missense variant is expected to disrupt ALPK3 protein function with a positive predictive value of 80%. In summary, the available evidence is currently insufficient to determine the role of this variant in disease. Therefore, it has been classified as a Variant of Uncertain Significance.

GeneDx
Classification: Uncertain significance. Last evaluated: 2024-07-05. Review status: criteria provided, single submitter. Criteria: GeneDx Variant Classification Process June 2021. Collection method: clinical testing. Allele origin: germline. Affected: yes.
Comment: Has not been previously published as pathogenic or benign to our knowledge; In silico analysis supports that this missense variant has a deleterious effect on protein structure/function

Ambry Genetics
Classification: Likely benign for Cardiovascular phenotype. Last evaluated: 2024-05-08. Review status: criteria provided, single submitter. Criteria: Ambry Variant Classification Scheme 2023. Collection method: clinical testing. Allele origin: germline.